The following is an entry in ClinVar:

NM_001041.4(SI):c.134C>A (p.Thr45Asn)

Gene: SI (sucrase-isomaltase; minus strand). Cytogenetic location: 3q26.1.
Variant type: single nucleotide variant.
Coding change: c.134C>A on transcript NM_001041.4 (MANE Select); coding-DNA position 134, C replaced by A.
Protein change: p.Thr45Asn; replaces threonine 45 with asparagine.
Molecular consequence: missense variant.
Genome position (GRCh38, 1-based): chr3:165,074,652, G>T on the plus strand (C>A on the coding strand, the complement: SI is on the minus strand). VCF-style: chr3-165074652-G-T. GRCh37 (hg19) VCF-style: chr3-164792440-G-T.
Other names: short protein forms T45N.
Identifiers: ClinVar variation 2760173 (VCV002760173.2), dbSNP rs746802383, ClinGen allele CA2691603.

ClinVar aggregate classification (germline): Uncertain significance (1 of 4 stars; one submission).

Allele frequency attached by ClinVar (database versions not stated): gnomAD exomes below 0.00001; ExAC 0.00002; TOPMed 0.00002; gnomAD 0.00004.
gnomAD v4.1: 9 of 1,609,542 alleles (0.00056%); highest among the groups gnomAD compares: African/African-American, 0.011%; no homozygotes.

Submission:

Labcorp Genetics (formerly Invitae), Labcorp
Classification: Uncertain significance. Last evaluated: 2023-02-17. Review status: criteria provided, single submitter. Criteria: Invitae Variant Classification Sherloc (09022015). Collection method: clinical testing. Allele origin: germline.
Comment: In summary, the available evidence is currently insufficient to determine the role of this variant in disease. Therefore, it has been classified as a Variant of Uncertain Significance. Advanced modeling of protein sequence and biophysical properties (such as structural, functional, and spatial information, amino acid conservation, physicochemical variation, residue mobility, and thermodynamic stability) has been performed at Invitae for this missense variant, however the output from this modeling did not meet the statistical confidence thresholds required to predict the impact of this variant on SI protein function. This variant has not been reported in the literature in individuals affected with SI-related conditions. This variant is present in population databases (rs746802383, gnomAD 0.02%). This sequence change replaces threonine, which is neutral and polar, with asparagine, which is neutral and polar, at codon 45 of the SI protein (p.Thr45Asn).